The following is an entry in ClinVar:

ClinVar aggregate classification (germline): Uncertain significance (1 of 4 stars; one submission).

Conditions:
Long QT syndrome (LQTS). Identifiers: MedGen C0023976, MeSH D008133, MONDO:0002442. Disease mechanism: loss of function. Inheritance: Various modes of inheritance.

gnomAD v4.1: 2 of 1,612,806 alleles (0.00012%); highest among the groups gnomAD compares: Non-Finnish European, 0.00017%; no homozygotes.

Submission:

Labcorp Genetics (formerly Invitae), Labcorp
Classification: Uncertain significance for Long QT syndrome. Last evaluated: 2020-07-24. Review status: criteria provided, single submitter. Criteria: Invitae Variant Classification Sherloc (09022015). Collection method: clinical testing. Allele origin: germline.
Comment: This variant has not been reported in the literature in individuals with CACNA1C-related conditions. In summary, the available evidence is currently insufficient to determine the role of this variant in disease. Therefore, it has been classified as a Variant of Uncertain Significance. Algorithms developed to predict the effect of missense changes on protein structure and function are either unavailable or do not agree on the potential impact of this missense change (SIFT: "Deleterious"; PolyPhen-2: "Probably Damaging"; Align-GVGD: "Class C0"). This variant is not present in population databases (ExAC no frequency). This sequence change replaces arginine with cysteine at codon 1656 of the CACNA1C protein (p.Arg1656Cys). The arginine residue is highly conserved and there is a large physicochemical difference between arginine and cysteine.

NM_000719.7(CACNA1C):c.4966C>T (p.Arg1656Cys)

Genes: CACNA1C (calcium voltage-gated channel subunit alpha1 C; plus strand), CACNA1C-AS1 (CACNA1C antisense RNA 1; minus strand). Cytogenetic location: 12p13.33.
Variant type: single nucleotide variant.
Coding change: c.4966C>T on transcript NM_000719.7 (MANE Select); coding-DNA position 4966, C replaced by T.
Protein change: p.Arg1656Cys; replaces arginine 1656 with cysteine.
Molecular consequence: missense variant. On other transcripts: non-coding transcript variant (1).
Genome position (GRCh38, 1-based): chr12:2,677,742, C>T. VCF-style: chr12-2677742-C-T. GRCh37 (hg19) VCF-style: chr12-2786908-C-T.
Other names: c.5110C>T, p.Arg1704Cys (NM_001129827.2, NM_199460.4); c.5089C>T, p.Arg1697Cys (NM_001129829.2); c.4966C>T, p.Arg1656Cys (NM_001129830.3, NM_001129840.2, NM_001129841.2 and 4 more transcripts); c.5050C>T, p.Arg1684Cys (NM_001129831.2); c.5026C>T, p.Arg1676Cys (NM_001129832.2); c.5023C>T, p.Arg1675Cys (NM_001129833.2, NM_001129834.2, NM_001129835.2); c.5017C>T, p.Arg1673Cys (NM_001129836.2); c.4990C>T, p.Arg1664Cys (NM_001129837.2, NM_001129838.2); and 3 more; short protein forms R1645C, R1653C, R1656C, R1662C, R1664C, R1673C, R1675C, R1676C.
Identifiers: ClinVar variation 1016252 (VCV001016252.9), dbSNP rs752021213, ClinGen allele CA383378201.